The following is an entry in ClinVar:

NM_001142285.2(RPS24):c.629T>C (p.Leu210Pro)

Gene: RPS24 (ribosomal protein S24; plus strand). Cytogenetic location: 10q22.3.
Variant type: single nucleotide variant.
Coding change: c.629T>C on transcript NM_001142285.2; coding-DNA position 629, T replaced by C.
Protein change: p.Leu210Pro; replaces leucine 210 with proline.
Molecular consequence: missense variant.
Genome position (GRCh38, 1-based): chr10:78,054,769, T>C. VCF-style: chr10-78054769-T-C. GRCh37 (hg19) VCF-style: chr10-79814527-T-C.
Other names: short protein forms L210P.
Identifiers: ClinVar variation 2631423 (VCV002631423.1), dbSNP rs2493323260, ClinGen allele CA377338820.

ClinVar aggregate classification (germline): Uncertain significance (1 of 4 stars; one submission).

Conditions:
RPS24-related disorder. Also called: RPS24-related condition.

Submission:

PreventionGenetics, part of Exact Sciences
Classification: Uncertain significance for RPS24-related condition. Last evaluated: 2023-08-19. Review status: criteria provided, single submitter. Criteria: ACMG Guidelines, 2015. Collection method: clinical testing. Allele origin: germline.
Comment: The RPS24 c.629T>C variant is predicted to result in the amino acid substitution p.Leu210Pro. To our knowledge, this variant has not been reported in the literature or in a large population database, indicating this variant is rare. At this time, the clinical significance of this variant is uncertain due to the absence of conclusive functional and genetic evidence.